The following is an entry in ClinVar:

NM_001100913.3(PACS2):c.31G>A (p.Gly11Ser)

Genes: BRF1 (BRF1 general transcription factor IIIB subunit; minus strand), PACS2 (phosphofurin acidic cluster sorting protein 2; plus strand). Cytogenetic location: 14q32.33.
Variant type: single nucleotide variant.
Coding change: c.31G>A on transcript NM_001100913.3 (MANE Select); coding-DNA position 31, G replaced by A.
Protein change: p.Gly11Ser; replaces glycine 11 with serine.
Molecular consequence: missense variant. On other transcripts: intron variant (4).
Genome position (GRCh38, 1-based): chr14:105,314,949, G>A. VCF-style: chr14-105314949-G-A. GRCh37 (hg19) VCF-style: chr14-105781286-G-A.
Other names: c.31G>A, p.Gly11Ser (NM_015197.4); c.-162+373C>T (NM_001440451.1, NM_001242787.2, NM_001242786.2); c.-83+13970G>A (NM_001243127.3); short protein forms G11S.
Identifiers: ClinVar variation 1976053 (VCV001976053.6), dbSNP rs2058500850, ClinGen allele CA391191443.
Genomic context (GRCh38, chr14:105,314,949, plus strand): 5'-GGCCGCCGAGGGAGCGGCGGGGCCGGCGCCATGGCCGAGCGAGGCCGCCTCGGCCTCCCC[G>A]GCGCGCCCGGCGCGCTCAACACGCCCGTGCCCATGAACCTGTTCGCCACCTGGGAGGTGG-3'
Protein context (NP_001094383.2, residues 1-21): MAERGRLGLP[Gly11Ser]APGALNTPVP

ClinVar aggregate classification (germline): Conflicting classifications of pathogenicity. Review status: criteria provided, conflicting classifications (1 of 4 stars). 2 submissions from 2 submitters: Uncertain significance (1); Likely benign (1). Last evaluated 2025-04-14.

Conditions:
Inborn genetic diseases. Identifiers: MedGen C0950123, MeSH D030342.

Allele frequency attached by ClinVar (database versions not stated): gnomAD exomes 0.00001; gnomAD 0.00001.
gnomAD v4.1: 10 of 1,172,882 alleles (0.00085%); highest among the groups gnomAD compares: East Asian, 0.0063%; no homozygotes.

Submissions (2):

Ambry Genetics
Classification: Likely benign for Inborn genetic diseases. Last evaluated: 2025-04-14. Review status: criteria provided, single submitter. Criteria: Ambry Variant Classification Scheme 2023. Collection method: clinical testing. Allele origin: germline.

Labcorp Genetics (formerly Invitae), Labcorp
Classification: Uncertain significance. Last evaluated: 2025-04-11. Review status: criteria provided, single submitter. Criteria: Invitae Variant Classification Sherloc (09022015). Collection method: clinical testing. Allele origin: germline.
Comment: This sequence change replaces glycine, which is neutral and non-polar, with serine, which is neutral and polar, at codon 11 of the PACS2 protein (p.Gly11Ser). This variant is not present in population databases (gnomAD no frequency). This variant has not been reported in the literature in individuals affected with PACS2-related conditions. ClinVar contains an entry for this variant (Variation ID: 1976053). An algorithm developed to predict the effect of missense changes on protein structure and function (PolyPhen-2) suggests that this variant is likely to be tolerated. In summary, the available evidence is currently insufficient to determine the role of this variant in disease. Therefore, it has been classified as a Variant of Uncertain Significance.